The following is an entry in ClinVar:

ClinVar aggregate classification (germline): Uncertain significance. Review status: criteria provided, multiple submitters, no conflicts (2 of 4 stars). 2 submissions from 2 submitters: Uncertain significance (2). Last evaluated 2026-01-23.

Conditions:
Spermatogenic failure 18. Identifiers: MedGen C4539783, MONDO:0054615, OMIM 617576.
Ciliary dyskinesia, primary, 37 (CILD37). Also called: CILIARY DYSKINESIA, PRIMARY, 37, WITH OR WITHOUT SITUS INVERSUS. Identifiers: MedGen C4539798, MONDO:0033204, OMIM 617577.

Allele frequency attached by ClinVar (database versions not stated): gnomAD 0.00010 and 0.00011; gnomAD exomes 0.00004 and 0.00001; TOPMed 0.00009; 1000 Genomes Project 0.00040; ExAC 0.00006; ESP Exome Variant Server 0.00016; 1000 Genomes Project 30x 0.00047.
gnomAD v4.1: 19 of 1,613,780 alleles (0.0012%); highest among the groups gnomAD compares: African/African-American, 0.025%; no homozygotes.

Submissions (2):

GeneDx
Classification: Uncertain significance. Last evaluated: 2026-01-23. Review status: criteria provided, single submitter. Criteria: GeneDx Variant Classification Process June 2021. Collection method: clinical testing. Allele origin: germline. Affected: yes.
Comment: In silico analysis indicates that this missense variant does not alter protein structure/function; Has not been previously published as pathogenic or benign to our knowledge

Labcorp Genetics (formerly Invitae), Labcorp
Classification: Uncertain significance for Ciliary dyskinesia, primary, 37; Spermatogenic failure 18. Last evaluated: 2025-11-02. Review status: criteria provided, single submitter. Criteria: Invitae Variant Classification Sherloc (09022015). Collection method: clinical testing. Allele origin: germline.
Comment: This sequence change replaces asparagine, which is neutral and polar, with serine, which is neutral and polar, at codon 216 of the DNAH1 protein (p.Asn216Ser). This variant is present in population databases (rs376828415, gnomAD 0.05%). This variant has not been reported in the literature in individuals affected with DNAH1-related conditions. ClinVar contains an entry for this variant (Variation ID: 643488). An algorithm developed to predict the effect of missense changes on protein structure and function (PolyPhen-2) suggests that this variant is likely to be tolerated. In summary, the available evidence is currently insufficient to determine the role of this variant in disease. Therefore, it has been classified as a Variant of Uncertain Significance.

NM_015512.5(DNAH1):c.647A>G (p.Asn216Ser)

Gene: DNAH1 (dynein axonemal heavy chain 1; plus strand). Cytogenetic location: 3p21.1.
Variant type: single nucleotide variant.
Coding change: c.647A>G on transcript NM_015512.5 (MANE Select); coding-DNA position 647, A replaced by G.
Protein change: p.Asn216Ser; replaces asparagine 216 with serine.
Molecular consequence: missense variant.
Genome position (GRCh38, 1-based): chr3:52,326,800, A>G. VCF-style: chr3-52326800-A-G. GRCh37 (hg19) VCF-style: chr3-52360816-A-G.
Other names: short protein forms N216S.
Identifiers: ClinVar variation 643488 (VCV000643488.6), dbSNP rs376828415, ClinGen allele CA2432715.